The following is an entry in ClinVar:

ClinVar aggregate classification (germline): Conflicting classifications of pathogenicity. Review status: criteria provided, conflicting classifications (1 of 4 stars). 3 submissions from 3 submitters: Likely pathogenic (1); Uncertain significance (1). 1 of the submissions does not count toward it. Last evaluated 2024-12-27.

Conditions:
Vesicoureteral reflux 8 (VUR8). Identifiers: Orphanet 289365, MedGen C4014831, MONDO:0014422, OMIM 615963.

Allele frequency attached by ClinVar (database versions not stated): gnomAD exomes 0.00001 and 0.00002; TOPMed below 0.00001; ExAC 0.00001.
gnomAD v4.1: 7 of 1,486,888 alleles (0.00047%); highest among the groups gnomAD compares: Non-Finnish European, 0.00063%; no homozygotes.

Submissions (3):

Women's Health and Genetics/Laboratory Corporation of America, LabCorp
Classification: Likely pathogenic for Vesicoureteral reflux 8. Last evaluated: 2024-12-27. Review status: criteria provided, single submitter. Criteria: LabCorp Variant Classification Summary - May 2015. Collection method: clinical testing. Allele origin: germline.
Comment: Variant summary: TNXB c.9764C>T (p.Thr3255Ile) results in a non-conservative amino acid change in the encoded protein sequence. Two of four in-silico tools predict a benign effect of the variant on protein function. The variant allele was found at a frequency of 1.7e-05 in 178724 control chromosomes (gnomAD). c.9764C>T has been reported in the literature in nine individuals affected with Vesicoureteral Reflux 8 in one family and this variant segregated with the disease (Gbadegesin_2013, Elahi_2015). Some of nine affected individuals also had joint hypermobility (Elahi_2015). These data indicate that the variant is very likely to be associated with disease. At least one publication reports experimental evidence evaluating an impact on protein function and it showed that fibroblast cell lines carrying the T3257I mutation exhibited a reduction in both cell motility and phosphorylated focal adhesion kinase expression, suggesting a defect in the focal adhesions that link the cell cytoplasm to the extracellular matrix (Gbadegesin_2013). The following publications have been ascertained in the context of this evaluation (PMID: 23620400, 26408188). ClinVar contains an entry for this variant (Variation ID: 144113). To our knowledge, this variant has not been reported in individuals with autosomal recessive Ehlers-Danlos-like syndrome. Based on the evidence outlined above, this variant is likely pathogenic for autosomal dominant Vesicoureteral Reflux 8.

CeGaT Center for Human Genetics Tuebingen
Classification: Uncertain significance. Last evaluated: 2020-09-01. Review status: criteria provided, single submitter. Criteria: CeGaT Center For Human Genetics Tuebingen Variant Classification Criteria Version 2. Collection method: clinical testing. Allele origin: germline. Affected: yes. Observed: 1 variant allele.

OMIM
Classification: Pathogenic for VESICOURETERAL REFLUX 8. Last evaluated: 2013-07-01. Review status: no assertion criteria provided. Collection method: literature only. Allele origin: germline. Not counted in ClinVar's aggregate classification.

Literature cited by the submitters: PubMed 23620400 (cited by Women's Health and Genetics/Laboratory Corporation of America, LabCorp and OMIM); PubMed 26408188 (cited by Women's Health and Genetics/Laboratory Corporation of America, LabCorp).

NM_001365276.2(TNXB):c.9770C>T (p.Thr3257Ile)

Gene: TNXB (tenascin XB; minus strand). Cytogenetic location: 6p21.33.
Variant type: single nucleotide variant.
Coding change: c.9770C>T on transcript NM_001365276.2 (MANE Select); coding-DNA position 9770, C replaced by T.
Protein change: p.Thr3257Ile; replaces threonine 3257 with isoleucine.
Molecular consequence: missense variant.
Genome position (GRCh38, 1-based): chr6:32,048,638, G>A on the plus strand (C>T on the coding strand, the complement: TNXB is on the minus strand). VCF-style: chr6-32048638-G-A. GRCh37 (hg19) VCF-style: chr6-32016415-G-A.
Other names: c.9764C>T, p.Thr3255Ile (NM_019105.8); short protein forms T3257I, T3255I.
Identifiers: ClinVar variation 144113 (VCV000144113.37), dbSNP rs587777683, ClinGen allele CA170656.